The following is an entry in ClinVar:

NM_005263.5(GFI1):c.586G>A (p.Gly196Ser)

Gene: GFI1 (growth factor independent 1 transcriptional repressor; minus strand). Cytogenetic location: 1p22.1.
Variant type: single nucleotide variant.
Coding change: c.586G>A on transcript NM_005263.5 (MANE Select); coding-DNA position 586, G replaced by A.
Protein change: p.Gly196Ser; replaces glycine 196 with serine.
Molecular consequence: missense variant.
Genome position (GRCh38, 1-based): chr1:92,480,801, C>T on the plus strand (G>A on the coding strand, the complement: GFI1 is on the minus strand). VCF-style: chr1-92480801-C-T. GRCh37 (hg19) VCF-style: chr1-92946358-C-T.
Other names: c.586G>A, p.Gly196Ser (NM_001127215.3, NM_001127216.3); short protein forms G196S.
Identifiers: ClinVar variation 4029423 (VCV004029423.1).

ClinVar aggregate classification (germline): Uncertain significance (1 of 4 stars; one submission).

Submission:

Ambry Genetics
Classification: Uncertain significance. Last evaluated: 2025-05-15. Review status: criteria provided, single submitter. Criteria: Ambry Variant Classification Scheme 2023. Collection method: clinical testing. Allele origin: germline.
Comment: The p.G196S variant (also known as c.586G>A), located in coding exon 3 of the GFI1 gene, results from a G to A substitution at nucleotide position 586. The glycine at codon 196 is replaced by serine, an amino acid with similar properties. This amino acid position is conserved. In addition, this alteration is predicted to be tolerated by in silico analysis. Based on the available evidence, the clinical significance of this variant remains unclear.